The following is an entry in ClinVar:

ClinVar aggregate classification (germline): Conflicting classifications of pathogenicity. Review status: criteria provided, conflicting classifications (1 of 4 stars). 3 submissions from 3 submitters: Uncertain significance (1); Benign (1); Likely benign (1). Last evaluated 2026-01-12.

Conditions:
3-methylglutaconic aciduria with deafness, encephalopathy, and Leigh-like syndrome (MEGDEL). Also called: MEGDEL syndrome; SERAC1 Deficiency; 3-METHYLGLUTACONIC ACIDURIA, TYPE VI. Identifiers: Orphanet 352328, MedGen C4040739, MONDO:0013875, OMIM 614739.
SERAC1-related disorder. Also called: SERAC1-related disorders; SERAC1-related condition.

Allele frequency attached by ClinVar (database versions not stated): gnomAD 0.00043 and 0.00048; gnomAD exomes 0.00047 and 0.00056; ExAC 0.00048; TOPMed 0.00063; 1000 Genomes Project 0.00120; 1000 Genomes Project 30x 0.00125; ESP Exome Variant Server 0.00031.
gnomAD v4.1: 872 of 1,613,486 alleles (0.054%); highest among the groups gnomAD compares: East Asian, 0.31%; no homozygotes.

Submissions (3):

Labcorp Genetics (formerly Invitae), Labcorp
Classification: Benign for 3-methylglutaconic aciduria with deafness, encephalopathy, and Leigh-like syndrome. Last evaluated: 2026-01-12. Review status: criteria provided, single submitter. Criteria: Invitae Variant Classification Sherloc (09022015). Collection method: clinical testing. Allele origin: germline.

PreventionGenetics, part of Exact Sciences
Classification: Likely benign for SERAC1-related condition. Last evaluated: 2025-10-29. Review status: criteria provided, single submitter. Criteria: ACMG Guidelines, 2015. Collection method: clinical testing. Allele origin: germline.
Comment: This variant is classified as likely benign based on ACMG/AMP sequence variant interpretation guidelines (Richards et al. 2015 PMID: 25741868, with internal and published modifications).

Blueprint Genetics
Classification: Uncertain significance. Last evaluated: 2024-10-23. Review status: criteria provided, single submitter. Criteria: ACMG Guidelines, 2015. Collection method: clinical testing. Allele origin: germline.

NM_032861.4(SERAC1):c.22G>A (p.Val8Ile)

Gene: SERAC1 (serine active site containing 1; minus strand). Cytogenetic location: 6q25.3.
Variant type: single nucleotide variant.
Coding change: c.22G>A on transcript NM_032861.4 (MANE Select); coding-DNA position 22, G replaced by A.
Protein change: p.Val8Ile; replaces valine 8 with isoleucine.
Molecular consequence: missense variant. On other transcripts: non-coding transcript variant (1).
Genome position (GRCh38, 1-based): chr6:158,158,342, C>T on the plus strand (G>A on the coding strand, the complement: SERAC1 is on the minus strand). VCF-style: chr6-158158342-C-T. GRCh37 (hg19) VCF-style: chr6-158579374-C-T.
Other names: short protein forms V8I.
Identifiers: ClinVar variation 708344 (VCV000708344.13), dbSNP rs115387731, ClinGen allele CA4071489.